The following is an entry in ClinVar:

ClinVar aggregate classification (germline): Uncertain significance. Review status: criteria provided, multiple submitters, no conflicts (2 of 4 stars). 2 submissions from 2 submitters: Uncertain significance (2). Last evaluated 2025-10-09.

Conditions:
Combined oxidative phosphorylation deficiency 55 (COXPD55). Identifiers: MedGen C5676915, MONDO:0859228, OMIM 619743.

gnomAD v4.1: 1 of 1,610,192 alleles (0.000062%); highest among the groups gnomAD compares: Middle Eastern, 0.022%; no homozygotes.

Submissions (2):

Victorian Clinical Genetics Services, Murdoch Childrens Research Institute
Classification: Uncertain significance for Combined oxidative phosphorylation deficiency 55. Last evaluated: 2025-10-09. Review status: criteria provided, single submitter. Criteria: ACMG Guidelines, 2015. Collection method: clinical testing. Allele origin: germline. Affected: yes.
Comment: This variant is classified as VUS-3A. Evidence in support of pathogenic classification: Variant is present in gnomAD <0.01 (v4: 1 heterozygote(s), 0 homozygote(s)); Variant is located in the annotated RNA_pol domain and this amino acid is described as an active site (DECIPHER; PMID: 40583167); Missense variant predicted to be damaging by in silico tool(s) or highly conserved with a major amino acid change. Additional information: Variant is predicted to result in a missense amino acid change from Lys to Arg; This variant is heterozygous; This gene is associated with both recessive and dominant disease. Most cases reported are recessive and the genotype-phenotype correlation is unclear (PMIDs: 40583167, 33602924); This variant has no previous evidence of pathogenicity; No published evidence of segregation with disease has been identified for this variant; No published functional evidence has been identified for this variant; No comparable missense variants have previous evidence for pathogenicity; Loss of function is a known mechanism of disease in this gene and is associated with combined oxidative phosphorylation deficiency 55 (MIM#619743). Dominant negative has also been suggested as the mechanism of disease for an in-frame deletion variant (PMID: 33602924); Variants in this gene are known to have variable expressivity. Disease severity and age of onset are variable among reported patients (PMID: 33602924); Inheritance information for this variant is not currently available in this individual.

Dasa
Classification: Uncertain significance. Last evaluated: 2025-08-27. Review status: criteria provided, single submitter. Criteria: DASA Assertion Criteria. Collection method: clinical testing. Allele origin: germline.
Comment: NM_005035.4(POLRMT):c.2972A>G (p.Lys991Arg) is a missense variant that results in the substitution of lysine with arginine. This variant is rare in population databases. Computational prediction algorithms are consistent with a deleterious effect. The currently available literature and clinical evidence are not sufficient to establish a definitive association between this variant and the reported condition. Therefore, this variant is classified as a variant of uncertain significance.

Literature cited by the submitters: PubMed 40583167 (cited by Victorian Clinical Genetics Services, Murdoch Childrens Research Institute); PubMed 33602924 (cited by Victorian Clinical Genetics Services, Murdoch Childrens Research Institute).

NM_005035.4(POLRMT):c.2972A>G (p.Lys991Arg)

Gene: POLRMT (RNA polymerase mitochondrial; minus strand). Cytogenetic location: 19p13.3.
Variant type: single nucleotide variant.
Coding change: c.2972A>G on transcript NM_005035.4 (MANE Select); coding-DNA position 2972, A replaced by G.
Protein change: p.Lys991Arg; replaces lysine 991 with arginine.
Molecular consequence: missense variant. On other transcripts: non-coding transcript variant (1).
Genome position (GRCh38, 1-based): chr19:619,680, T>C on the plus strand (A>G on the coding strand, the complement: POLRMT is on the minus strand). VCF-style: chr19-619680-T-C. GRCh37 (hg19) VCF-style: chr19-619680-T-C.
Other names: c.2972A>G, p.Lys991Arg (NM_001407805.1, NM_001407808.1, NM_001407812.1 and 1 more transcripts); c.2963A>G, p.Lys988Arg (NM_001407806.1, NM_001407809.1); c.2960A>G, p.Lys987Arg (NM_001407807.1, NM_001407810.1); c.2930A>G, p.Lys977Arg (NM_001407811.1, NM_001407813.1); c.2894A>G, p.Lys965Arg (NM_001407814.1, NM_001407815.1); c.2849A>G, p.Lys950Arg (NM_001407829.1); c.2747A>G, p.Lys916Arg (NM_001407830.1, NM_001407832.1); c.2648A>G, p.Lys883Arg (NM_001407831.1, NM_001407833.1, NM_001407835.1); and 2 more; short protein forms K857R, K880R, K883R, K916R, K950R, K965R, K977R, K987R.
Identifiers: ClinVar variation 4531738 (VCV004531738.3).
Genomic context (GRCh38, chr19:619,680, plus strand): 5'-TCAATCTGCAGGCGCCCGCCATAGCGCGTGACCCCGTACACCACCGTCATCACCGTCTGC[T>C]TCACCACCTTGCGGGTGATGAAACCTTCCAGCACCTGTGCCACCCGCATGCCCCGCTGGG-3'
Protein context (NP_005026.3, residues 981-1001): LEGFITRKVV[Lys991Arg]QTVMTVVYGV